The following is an entry in ClinVar:

ClinVar aggregate classification (germline): Pathogenic/Likely pathogenic. Review status: criteria provided, multiple submitters, no conflicts (2 of 4 stars). 6 submissions from 6 submitters: Pathogenic (4); Likely pathogenic (1). 1 of the submissions does not count toward it. Last evaluated 2025-01-12.

Conditions:
Hereditary nonpolyposis colorectal neoplasms. Identifiers: MedGen C0009405, MeSH D003123.
Hereditary cancer-predisposing syndrome. Also called: Hereditary neoplastic syndrome; Hereditary Cancer Syndrome; Tumor predisposition; Neoplastic Syndromes, Hereditary. Identifiers: Orphanet 140162, MedGen C0027672, MeSH D009386, MONDO:0015356.
Lynch syndrome 5 (LYNCH5). Also called: Colorectal cancer, hereditary nonpolyposis, type 5; Hereditary non-polyposis colorectal cancer, type 5. Identifiers: Orphanet 144, MedGen C1833477, MONDO:0013710, OMIM 614350. Disease mechanism: loss of function.
Carcinoma of colon (CRC). Also called: Colon carcinoma; Colonic carcinoma. Identifiers: MedGen C0699790, MONDO:0002032.
Endometrial carcinoma. Also called: Endometrial carcinoma, somatic. Identifiers: MedGen C0476089, MONDO:0002447, OMIM 608089, HP:0012114.

Submissions (6):

Labcorp Genetics (formerly Invitae), Labcorp
Classification: Pathogenic for Hereditary nonpolyposis colorectal neoplasms. Last evaluated: 2025-01-12. Review status: criteria provided, single submitter. Criteria: Invitae Variant Classification Sherloc (09022015). Collection method: clinical testing. Allele origin: germline.
Comment: This sequence change creates a premature translational stop signal (p.Tyr433*) in the MSH6 gene. It is expected to result in an absent or disrupted protein product. Loss-of-function variants in MSH6 are known to be pathogenic (PMID: 18269114, 24362816). This variant is not present in population databases (gnomAD no frequency). This variant has not been reported in the literature in individuals affected with MSH6-related conditions. ClinVar contains an entry for this variant (Variation ID: 428379). For these reasons, this variant has been classified as Pathogenic.

Myriad Genetics, Inc.
Classification: Pathogenic for Lynch syndrome 5. Last evaluated: 2023-08-11. Review status: criteria provided, single submitter. Criteria: Myriad Autosomal Dominant, Autosomal Recessive and X-Linked Classification Criteria (2023). Collection method: clinical testing. Allele origin: unknown.
Comment: This variant is considered pathogenic. This variant creates a termination codon and is predicted to result in premature protein truncation.

Ambry Genetics
Classification: Pathogenic for Hereditary cancer-predisposing syndrome. Last evaluated: 2022-12-19. Review status: criteria provided, single submitter. Criteria: Ambry Variant Classification Scheme 2023. Collection method: clinical testing. Allele origin: germline.
Comment: The p.Y433* pathogenic mutation (also known as c.1299T>G), located in coding exon 4 of the MSH6 gene, results from a T to G substitution at nucleotide position 1299. This changes the amino acid from a tyrosine to a stop codon within coding exon 4. This alteration is expected to result in loss of function by premature protein truncation or nonsense-mediated mRNA decay. As such, this alteration is interpreted as a disease-causing mutation.

GeneDx
Classification: Pathogenic. Last evaluated: 2021-11-23. Review status: criteria provided, single submitter. Criteria: GeneDx Variant Classification Process June 2021. Collection method: clinical testing. Allele origin: germline. Affected: yes.
Comment: Nonsense variant predicted to result in protein truncation or nonsense mediated decay in a gene for which loss-of-function is a known mechanism of disease; Not observed at significant frequency in large population cohorts (Lek 2016); Truncating variants in this gene are considered pathogenic by a well-established clinical consortium and/or database; Has not been previously published as pathogenic or benign to our knowledge; This variant is associated with the following publications: (PMID: 18269114, 24362816)

Baylor Genetics
Classification: Likely pathogenic for Endometrial carcinoma. Last evaluated: 2021-04-01. Review status: criteria provided, single submitter. Criteria: ACMG Guidelines, 2015. Collection method: clinical testing. Allele origin: unknown.

Department of Pathology and Laboratory Medicine, Sinai Health System
Classification: Pathogenic for Carcinoma of colon. Review status: no assertion criteria provided. Collection method: clinical testing. Allele origin: unknown. Affected: yes. Study: The Canadian Open Genetics Repository (COGR). Not counted in ClinVar's aggregate classification.
Comment: The p.Tyr433X variant was not identified in the literature nor was it identified in the in dbSNP, (1000 Genomes Project), NHLBI Exome Sequencing Project (Exome Variant Server), Exome Aggregation Consortium (ExAC) database, Clinvitae database, COSMIC, â€šÃ„ÃºMismatch Repair Genes Variant Databaseâ€šÃ„Ã¹, â€šÃ„ÃºMMR Gene Unclassified Variants Databaseâ€šÃ„Ã¹, InSiGHT Colon Cancer Gene Variant Database, â€šÃ„ÃºZhejiang Colon Cancer Databaseâ€šÃ„Ã¹, the ClinVar database, GeneInsight COGR database, and UMD. The p.Tyr433X variant leads to a premature stop codon at position 433, which is predicted to lead to a truncated or absent protein and loss of function. Loss of function variants of the MSH6 gene are an established mechanism of disease in Lynch syndrome and this is the type of variant expected to cause the disorder. In summary, based on the above information, this variant meets our laboratoryâ€šÃ„Ã´s criteria to be classified as pathogenic.

Literature cited by the submitters: PubMed 18269114 (cited by Labcorp Genetics (formerly Invitae), Labcorp); PubMed 24362816 (cited by Labcorp Genetics (formerly Invitae), Labcorp).

NM_000179.3(MSH6):c.1299T>G (p.Tyr433Ter)

Gene: MSH6 (mutS homolog 6; plus strand). Cytogenetic location: 2p16.3.
Variant type: single nucleotide variant.
Coding change: c.1299T>G on transcript NM_000179.3 (MANE Select); coding-DNA position 1299, T replaced by G.
Protein change: p.Tyr433Ter; replaces tyrosine 433 with a stop codon.
Molecular consequence: nonsense.
Genome position (GRCh38, 1-based): chr2:47,799,282, T>G. VCF-style: chr2-47799282-T-G. GRCh37 (hg19) VCF-style: chr2-48026421-T-G.
Other names: c.909T>G, p.Tyr303Ter (NM_001281492.2); c.393T>G, p.Tyr131Ter (NM_001281493.2, NM_001281494.2); short protein forms Y433*, Y303*, Y131*.
Identifiers: ClinVar variation 428379 (VCV000428379.18), dbSNP rs267608055, ClinGen allele CA346744258.